The following is an entry in ClinVar:

NM_000196.4(HSD11B2):c.555C>G (p.Phe185Leu)

Gene: HSD11B2 (hydroxysteroid 11-beta dehydrogenase 2; plus strand). Cytogenetic location: 16q22.1.
Variant type: single nucleotide variant.
Coding change: c.555C>G on transcript NM_000196.4 (MANE Select); coding-DNA position 555, C replaced by G.
Protein change: p.Phe185Leu; replaces phenylalanine 185 with leucine.
Molecular consequence: missense variant.
Genome position (GRCh38, 1-based): chr16:67,436,033, C>G. VCF-style: chr16-67436033-C-G. GRCh37 (hg19) VCF-style: chr16-67469936-C-G.
Other names: short protein forms F185L.
Identifiers: ClinVar variation 2771416 (VCV002771416.3), dbSNP rs2508607292, ClinGen allele CA396279130.

ClinVar aggregate classification (germline): Uncertain significance (1 of 4 stars; one submission).

gnomAD v4.1: 1 of 1,614,236 alleles (0.000062%); highest among the groups gnomAD compares: Non-Finnish European, 0.000085%; no homozygotes.

Submission:

Labcorp Genetics (formerly Invitae), Labcorp
Classification: Uncertain significance. Last evaluated: 2023-08-04. Review status: criteria provided, single submitter. Criteria: Invitae Variant Classification Sherloc (09022015). Collection method: clinical testing. Allele origin: germline.
Comment: In summary, the available evidence is currently insufficient to determine the role of this variant in disease. Therefore, it has been classified as a Variant of Uncertain Significance. An algorithm developed to predict the effect of missense changes on protein structure and function (PolyPhen-2) suggests that this variant is likely to be tolerated. This variant has not been reported in the literature in individuals affected with HSD11B2-related conditions. This variant is not present in population databases (gnomAD no frequency). This sequence change replaces phenylalanine, which is neutral and non-polar, with leucine, which is neutral and non-polar, at codon 185 of the HSD11B2 protein (p.Phe185Leu).